The following is an entry in ClinVar:

NM_001267550.2(TTN):c.40035dup (p.Pro13346fs)

Gene: TTN (titin; minus strand). Cytogenetic location: 2q31.2.
Variant type: Duplication.
Coding change: c.40035dup on transcript NM_001267550.2 (MANE Select); coding-DNA position 40035, one base duplicated (A; older notation c.40035dupA).
Protein change: p.Pro13346fs; shifts the reading frame from proline 13346.
Molecular consequence: frameshift variant. On other transcripts: intron variant (5).
Genome position (GRCh38, 1-based): chr2:178,649,270, T duplicated on the plus strand (A on the coding strand, the reverse complement: TTN is on the minus strand); the first of 6 consecutive T bases (chr2:178,649,270-178,649,275); duplicating any one gives the same sequence. VCF-style (leftmost placement, unchanged base first): chr2-178649269-G-GT. GRCh37 (hg19) VCF-style: chr2-179513996-G-GT.
Other names: c.13283-6953dup (NM_003319.4); c.13859-6953dup (NM_133437.4); c.13658-6953dup (NM_133432.3); c.32593+547dup (NM_133378.4); c.35374+547dup (NM_001256850.1); short protein forms P13346fs.
Identifiers: ClinVar variation 4791447 (VCV004791447.1).

ClinVar aggregate classification (germline): Likely pathogenic (1 of 4 stars; one submission).

Conditions:
Autosomal recessive limb-girdle muscular dystrophy type 2J (LGMDR10). Also called: Limb-girdle muscular dystrophy, type 2J; MUSCULAR DYSTROPHY, LIMB-GIRDLE, AUTOSOMAL RECESSIVE 10. Identifiers: Orphanet 140922, MedGen C1837342, MONDO:0012127, OMIM 608807.
Dilated cardiomyopathy 1G (CMD1G). Identifiers: Orphanet 154, MedGen C1858763, MONDO:0011400, OMIM 604145.

Submission:

Labcorp Genetics (formerly Invitae), Labcorp
Classification: Likely pathogenic for Dilated cardiomyopathy 1G; Autosomal recessive limb-girdle muscular dystrophy type 2J. Last evaluated: 2025-08-17. Review status: criteria provided, single submitter. Criteria: Invitae Variant Classification Sherloc (09022015). Collection method: clinical testing. Allele origin: germline.
Comment: This sequence change creates a premature translational stop signal (p.Pro13346Thrfs*13) in the TTN gene. While this is not anticipated to result in nonsense mediated decay, it is expected to create a truncated TTN protein. This variant is not present in population databases (gnomAD no frequency). This variant has not been reported in the literature in individuals affected with TTN-related conditions. Algorithms developed to predict the effect of sequence changes on RNA splicing suggest that this variant may disrupt the consensus splice site. This variant is located in the I band of TTN (PMID: 25589632). Truncating variants in this region have been reported in individuals affected with autosomal recessive centronuclear myopathy (PMID: 23975875, internal data). Truncating variants in this region have also been identified in individuals affected with autosomal dominant dilated cardiomyopathy and/or cardio-related conditions (PMID: 27869827, 32964742, internal data). In summary, the currently available evidence indicates that the variant is pathogenic, but additional data are needed to prove that conclusively. Therefore, this variant has been classified as Likely Pathogenic.

Literature cited by the submitters: PubMed 25589632; PubMed 23975875; PubMed 27869827; PubMed 32964742.